The following is an entry in ClinVar:

NM_000020.3(ACVRL1):c.1298C>A (p.Pro433His)

Gene: ACVRL1 (activin A receptor like type 1; plus strand). Cytogenetic location: 12q13.13.
Variant type: single nucleotide variant.
Coding change: c.1298C>A on transcript NM_000020.3 (MANE Select); coding-DNA position 1298, C replaced by A.
Protein change: p.Pro433His; replaces proline 433 with histidine.
Molecular consequence: missense variant.
Genome position (GRCh38, 1-based): chr12:51,919,036, C>A. VCF-style: chr12-51919036-C-A. GRCh37 (hg19) VCF-style: chr12-52312820-C-A.
Other names: c.1298C>A, p.Pro433His (NM_001077401.2); short protein forms P433H.
Identifiers: ClinVar variation 982449 (VCV000982449.2), dbSNP rs1940907270, ClinGen allele CA384903915.

ClinVar aggregate classification (germline): Likely pathogenic. Review status: criteria provided, multiple submitters, no conflicts (2 of 4 stars). 2 submissions from 2 submitters: Likely pathogenic (2). Last evaluated 2021-08-10.

Conditions:
Telangiectasia, hereditary hemorrhagic, type 2 (HHT2). Also called: Telangiectasia, hereditary hemorrhagic, type II; ACVRL1-Related Hereditary Hemorrhagic Telangiectasia. Identifiers: Orphanet 774, MedGen C1838163, MONDO:0010880, OMIM 600376. Disease mechanism: loss of function.
ACVRL1-related disorder. Also called: ACVRL1-related condition; ACVRL1-related disorders.

gnomAD v4.1: 1 of 1,614,112 alleles (0.000062%); highest among the groups gnomAD compares: Non-Finnish European, 0.000085%; no homozygotes.

Submissions (2):

Blueprint Genetics
Classification: Likely pathogenic for ACVRL1-related disorders. Last evaluated: 2021-08-10. Review status: criteria provided, single submitter. Criteria: ACMG Guidelines, 2015. Collection method: clinical testing. Allele origin: germline. Affected: yes. Observed: 1 variant allele.

NIHR Bioresource Rare Diseases, University of Cambridge
Classification: Likely pathogenic for Telangiectasia, hereditary hemorrhagic, type 2. Last evaluated: 2018-01-01. Review status: criteria provided, single submitter. Criteria: ACMG Guidelines, 2015. Collection method: research. Allele origin: unknown. Affected: yes. Observed: 1 variant allele.
Comment: PM2+PM1+PP4

Literature cited by the submitters: PubMed 32573726 (cited by NIHR Bioresource Rare Diseases, University of Cambridge).